The following is an entry in ClinVar:

ClinVar aggregate classification (germline): Uncertain significance. Review status: criteria provided, multiple submitters, no conflicts (2 of 4 stars). 3 submissions from 3 submitters: Uncertain significance (3). Last evaluated 2025-10-01.

Conditions:
Inborn genetic diseases. Identifiers: MedGen C0950123, MeSH D030342.
RAI1-related disorder. Also called: RAI1-related condition.

gnomAD v4.1: 3 of 1,613,962 alleles (0.00019%); highest among the groups gnomAD compares: Non-Finnish European, 0.00025%; no homozygotes.

Submissions (3):

PreventionGenetics, part of Exact Sciences
Classification: Uncertain significance for RAI1-related condition. Last evaluated: 2025-10-01. Review status: criteria provided, single submitter. Criteria: ACMG Guidelines, 2015. Collection method: clinical testing. Allele origin: germline.
Comment: The RAI1 c.4580G>C variant is predicted to result in the amino acid substitution p.Gly1527Ala. To our knowledge, this variant has not been reported in the literature. This variant is reported in 0.00088% of alleles in individuals of European (Non-Finnish) descent in gnomAD. At this time, the clinical significance of this variant is uncertain due to the absence of conclusive functional and genetic evidence.

Ambry Genetics
Classification: Uncertain significance for Inborn genetic diseases. Last evaluated: 2025-03-04. Review status: criteria provided, single submitter. Criteria: Ambry Variant Classification Scheme 2023. Collection method: clinical testing. Allele origin: germline.

Labcorp Genetics (formerly Invitae), Labcorp
Classification: Uncertain significance. Last evaluated: 2025-01-27. Review status: criteria provided, single submitter. Criteria: Invitae Variant Classification Sherloc (09022015). Collection method: clinical testing. Allele origin: germline.
Comment: This sequence change replaces glycine, which is neutral and non-polar, with alanine, which is neutral and non-polar, at codon 1527 of the RAI1 protein (p.Gly1527Ala). This variant is present in population databases (rs140883438, gnomAD 0.0009%). This variant has not been reported in the literature in individuals affected with RAI1-related conditions. ClinVar contains an entry for this variant (Variation ID: 2746605). Invitae Evidence Modeling of protein sequence and biophysical properties (such as structural, functional, and spatial information, amino acid conservation, physicochemical variation, residue mobility, and thermodynamic stability) indicates that this missense variant is not expected to disrupt RAI1 protein function with a negative predictive value of 80%. In summary, the available evidence is currently insufficient to determine the role of this variant in disease. Therefore, it has been classified as a Variant of Uncertain Significance.

NM_030665.4(RAI1):c.4580G>C (p.Gly1527Ala)

Gene: RAI1 (retinoic acid induced 1; plus strand). Cytogenetic location: 17p11.2.
Variant type: single nucleotide variant.
Coding change: c.4580G>C on transcript NM_030665.4 (MANE Select); coding-DNA position 4580, G replaced by C.
Protein change: p.Gly1527Ala; replaces glycine 1527 with alanine.
Molecular consequence: missense variant.
Genome position (GRCh38, 1-based): chr17:17,797,528, G>C. VCF-style: chr17-17797528-G-C. GRCh37 (hg19) VCF-style: chr17-17700842-G-C.
Other names: c.4580G>C (NM_030665.3); short protein forms G1527A.
Identifiers: ClinVar variation 2746605 (VCV002746605.5), dbSNP rs140883438, ClinGen allele CA8418984.